The following is an entry in ClinVar:

ClinVar aggregate classification (germline): Uncertain significance (1 of 4 stars; one submission).

Conditions:
Ataxia-telangiectasia syndrome (AT). Also called: Ataxia-telangiectasia, complementation group D; AT, COMPLEMENTATION GROUP C; Ataxia telangiectasia (A-T); Cerebello-oculocutaneous telangiectasia; Immunodeficiency with ataxia telangiectasia; ATAXIA-TELANGIECTASIA, COMPLEMENTATION GROUP A. Identifiers: Orphanet 100, MedGen C0004135, MONDO:0008840, OMIM 208900.

Submission:

Labcorp Genetics (formerly Invitae), Labcorp
Classification: Uncertain significance for Ataxia-telangiectasia syndrome. Last evaluated: 2019-10-20. Review status: criteria provided, single submitter. Criteria: Invitae Variant Classification Sherloc (09022015). Collection method: clinical testing. Allele origin: germline.
Comment: This variant has not been reported in the literature in individuals with ATM-related conditions. Algorithms developed to predict the effect of sequence changes on RNA splicing suggest that this variant may disrupt the consensus splice site, but this prediction has not been confirmed by published transcriptional studies. In summary, the available evidence is currently insufficient to determine the role of this variant in disease. Therefore, it has been classified as a Variant of Uncertain Significance. This variant is not present in population databases (ExAC no frequency). This sequence change falls in intron 34 of the ATM gene. It does not directly change the encoded amino acid sequence of the ATM protein.

NM_000051.4(ATM):c.5178-10T>G

Gene: ATM (ATM serine/threonine kinase; plus strand). Cytogenetic location: 11q22.3.
Variant type: single nucleotide variant.
Coding change: c.5178-10T>G on transcript NM_000051.4 (MANE Select); 10 bases into the intron before coding-DNA position 5178, T replaced by G.
Molecular consequence: intron variant.
Genome position (GRCh38, 1-based): chr11:108,301,638, T>G. VCF-style: chr11-108301638-T-G. GRCh37 (hg19) VCF-style: chr11-108172365-T-G.
Other names: c.5178-10T>G (NM_001351834.2).
Identifiers: ClinVar variation 664238 (VCV000664238.10), dbSNP rs1565476613, ClinGen allele CA915947624.
Genomic context (GRCh38, chr11:108,301,638, plus strand): 5'-CAGTGGAGGTTAACATTCATCAAGATTAATAACTGGTGTACTTGATAGGCATTTGAATTG[T>G]TTTTTTCAGTGTCAAAGTTCGATCAGCAGCTGTTACCTGTTTGAAAAACATTTTAGCCAC-3'